The following is an entry in ClinVar:

ClinVar aggregate classification (germline): Likely benign (1 of 4 stars; one submission).

Submission:

CeGaT Center for Human Genetics Tuebingen
Classification: Likely benign. Last evaluated: 2025-10-01. Review status: criteria provided, single submitter. Criteria: CeGaT Center For Human Genetics Tuebingen Variant Classification Criteria Version 2. Collection method: clinical testing. Allele origin: germline. Affected: yes. Observed: 1 variant allele.
Comment: POTEJ: BP4, BP7

NM_001277083.2(POTEJ):c.114C>T (p.Ser38=)

Gene: POTEJ (POTE ankyrin domain family member J; plus strand). Cytogenetic location: 2q21.1.
Variant type: single nucleotide variant.
Coding change: c.114C>T on transcript NM_001277083.2 (MANE Select); coding-DNA position 114, C replaced by T.
Protein change: p.Ser38=; no amino-acid change (serine 38 retained).
Molecular consequence: synonymous variant.
Genome position (GRCh38, 1-based): chr2:130,611,646, C>T. VCF-style: chr2-130611646-C-T. GRCh37 (hg19) VCF-style: chr2-131369219-C-T.
Identifiers: ClinVar variation 4533937 (VCV004533937.6).
Genomic context (GRCh38, chr2:130,611,646, plus strand): 5'-TGTTCTCAGGAGCAAGATGGGCAAGTGGTGCCGCCACTGCTTCCCCTGCTGCAGGGGGAG[C>T]GGCAAGAGCAACGTGGGCACTTCTGGAGACCAGGACGACTCCACTATGAAGACACTCAGG-3'
Protein context (NP_001264012.1, residues 28-48): CRHCFPCCRG[Ser38=]GKSNVGTSGD